The following is an entry in ClinVar:

ClinVar aggregate classification (germline): Uncertain significance. Review status: criteria provided, multiple submitters, no conflicts (2 of 4 stars). 2 submissions from 2 submitters: Uncertain significance (2). Last evaluated 2024-04-05.

Conditions:
Hereditary nonpolyposis colorectal neoplasms. Identifiers: MedGen C0009405, MeSH D003123.
Hereditary cancer-predisposing syndrome. Also called: Neoplastic Syndromes, Hereditary; Tumor predisposition; Hereditary Cancer Syndrome; Hereditary neoplastic syndrome. Identifiers: Orphanet 140162, MedGen C0027672, MeSH D009386, MONDO:0015356.

Submissions (2):

Labcorp Genetics (formerly Invitae), Labcorp
Classification: Uncertain significance for Hereditary nonpolyposis colorectal neoplasms. Last evaluated: 2024-04-05. Review status: criteria provided, single submitter. Criteria: Invitae Variant Classification Sherloc (09022015). Collection method: clinical testing. Allele origin: germline.
Comment: This sequence change replaces glycine, which is neutral and non-polar, with aspartic acid, which is acidic and polar, at codon 1299 of the MSH6 protein (p.Gly1299Asp). This variant is not present in population databases (gnomAD no frequency). This variant has not been reported in the literature in individuals affected with MSH6-related conditions. ClinVar contains an entry for this variant (Variation ID: 1735943). Advanced modeling of protein sequence and biophysical properties (such as structural, functional, and spatial information, amino acid conservation, physicochemical variation, residue mobility, and thermodynamic stability) performed at Invitae indicates that this missense variant is expected to disrupt MSH6 protein function with a positive predictive value of 95%. In summary, the available evidence is currently insufficient to determine the role of this variant in disease. Therefore, it has been classified as a Variant of Uncertain Significance.

Ambry Genetics
Classification: Uncertain significance for Hereditary cancer-predisposing syndrome. Last evaluated: 2018-05-29. Review status: criteria provided, single submitter. Criteria: Ambry Variant Classification Scheme 2023. Collection method: clinical testing. Allele origin: germline.
Comment: The p.G1299D variant (also known as c.3896G>A), located in coding exon 9 of the MSH6 gene, results from a G to A substitution at nucleotide position 3896. The glycine at codon 1299 is replaced by aspartic acid, an amino acid with similar properties. This amino acid position is highly conserved in available vertebrate species. In addition, this alteration is predicted to be deleterious by in silico analysis. In addition, the CoDP in silico tool predicts this alteration to have likely impact on molecular function, with a score of 0.998 (Terui H et al. J. Biomed. Sci. 2013 Apr;20:25). Since supporting evidence is limited at this time, the clinical significance of this alteration remains unclear.

NM_000179.3(MSH6):c.3896G>A (p.Gly1299Asp)

Gene: MSH6 (mutS homolog 6; plus strand). Cytogenetic location: 2p16.3.
Variant type: single nucleotide variant.
Coding change: c.3896G>A on transcript NM_000179.3 (MANE Select); coding-DNA position 3896, G replaced by A.
Protein change: p.Gly1299Asp; replaces glycine 1299 with aspartic acid.
Molecular consequence: missense variant.
Genome position (GRCh38, 1-based): chr2:47,806,546, G>A. VCF-style: chr2-47806546-G-A. GRCh37 (hg19) VCF-style: chr2-48033685-G-A.
Other names: c.3506G>A, p.Gly1169Asp (NM_001281492.2); c.2990G>A, p.Gly997Asp (NM_001281493.2, NM_001281494.2, NM_001406811.1 and 6 more transcripts); c.3992G>A, p.Gly1331Asp (NM_001406795.1); c.3896G>A, p.Gly1299Asp (NM_001406796.1, NM_001406808.1, NM_001406809.1); c.3599G>A, p.Gly1200Asp (NM_001406797.1, NM_001406801.1, NM_001406805.1 and 10 more transcripts); c.3722G>A, p.Gly1241Asp (NM_001406798.1); c.3371G>A, p.Gly1124Asp (NM_001406799.1, NM_001406806.1, NM_001406807.1); c.3883G>A, p.Ala1295Thr (NM_001406800.1); and 8 more; short protein forms G1169D, G1200D, G1331D, A1295T, G1011D, G1124D, G1273D, G1299D.
Identifiers: ClinVar variation 1735943 (VCV001735943.7), dbSNP rs2104559029, ClinGen allele CA346761410.